The following is an entry in ClinVar:

ClinVar aggregate classification (germline): Uncertain significance (1 of 4 stars; one submission).

Allele frequency attached by ClinVar (database versions not stated): TOPMed 0.00001.
gnomAD v4.1: 21 of 1,443,304 alleles (0.0015%); highest among the groups gnomAD compares: Non-Finnish European, 0.0019%; no homozygotes.

Submission:

Labcorp Genetics (formerly Invitae), Labcorp
Classification: Uncertain significance. Last evaluated: 2022-12-15. Review status: criteria provided, single submitter. Criteria: Invitae Variant Classification Sherloc (09022015). Collection method: clinical testing. Allele origin: germline.
Comment: In summary, the available evidence is currently insufficient to determine the role of this variant in disease. Therefore, it has been classified as a Variant of Uncertain Significance. Advanced modeling of protein sequence and biophysical properties (such as structural, functional, and spatial information, amino acid conservation, physicochemical variation, residue mobility, and thermodynamic stability) performed at Invitae indicates that this missense variant is not expected to disrupt ZCCHC8 protein function. This variant has not been reported in the literature in individuals affected with ZCCHC8-related conditions. This variant is present in population databases (no rsID available, gnomAD 0.007%). This sequence change replaces histidine, which is basic and polar, with arginine, which is basic and polar, at codon 454 of the ZCCHC8 protein (p.His454Arg).

NM_017612.5(ZCCHC8):c.1361A>G (p.His454Arg)

Gene: ZCCHC8 (zinc finger CCHC-type containing 8; minus strand). Cytogenetic location: 12q24.31.
Variant type: single nucleotide variant.
Coding change: c.1361A>G on transcript NM_017612.5 (MANE Select); coding-DNA position 1361, A replaced by G.
Protein change: p.His454Arg; replaces histidine 454 with arginine.
Molecular consequence: missense variant.
Genome position (GRCh38, 1-based): chr12:122,474,260, T>C on the plus strand (A>G on the coding strand, the complement: ZCCHC8 is on the minus strand). VCF-style: chr12-122474260-T-C. GRCh37 (hg19) VCF-style: chr12-122958807-T-C.
Other names: c.1130A>G, p.His377Arg (NM_001350935.2); c.1064A>G, p.His355Arg (NM_001350936.2); c.647A>G, p.His216Arg (NM_001350937.2, NM_001350938.2); short protein forms H454R, H216R, H355R, H377R.
Identifiers: ClinVar variation 3020953 (VCV003020953.3), dbSNP rs1272740913, ClinGen allele CA387049496.